The following is an entry in ClinVar:

NM_004006.3(DMD):c.3098C>T (p.Ser1033Phe)

Gene: DMD (dystrophin; minus strand). Cytogenetic location: Xp21.1.
Variant type: single nucleotide variant.
Coding change: c.3098C>T on transcript NM_004006.3 (MANE Select); coding-DNA position 3098, C replaced by T.
Protein change: p.Ser1033Phe; replaces serine 1033 with phenylalanine.
Molecular consequence: missense variant.
Genome position (GRCh38, 1-based): chrX:32,468,562, G>A on the plus strand (C>T on the coding strand, the complement: DMD is on the minus strand). VCF-style: chrX-32468562-G-A. GRCh37 (hg19) VCF-style: chrX-32486679-G-A.
Other names: c.3074C>T, p.Ser1025Phe (NM_000109.4); c.3086C>T, p.Ser1029Phe (NM_004009.3); c.2729C>T, p.Ser910Phe (NM_004010.3); short protein forms S1033F, S1029F, S1025F, S910F.
Identifiers: ClinVar variation 195753 (VCV000195753.13), dbSNP rs377415288, ClinGen allele CA242331.

ClinVar aggregate classification (germline): Uncertain significance. Review status: criteria provided, multiple submitters, no conflicts (2 of 4 stars). 3 submissions from 3 submitters: Uncertain significance (3). Last evaluated 2025-07-06.

Conditions:
Cardiovascular phenotype. Identifiers: MedGen CN230736.
Duchenne muscular dystrophy (DMD). Also called: MUSCULAR DYSTROPHY, PSEUDOHYPERTROPHIC PROGRESSIVE, DUCHENNE TYPE; Duchenne Muscular Dystrophy (DMD). Identifiers: Orphanet 98896, MedGen C0013264, MONDO:0010679, OMIM 310200.

Allele frequency attached by ClinVar (database versions not stated): gnomAD exomes below 0.00001 and 0.00001; ExAC 0.00001; gnomAD 0.00001; TOPMed 0.00001; ESP Exome Variant Server 0.00009.
gnomAD v4.1: 7 of 1,208,494 alleles (0.00058%); highest among the groups gnomAD compares: Non-Finnish European, 0.00067%; no homozygotes.

Submissions (3):

Labcorp Genetics (formerly Invitae), Labcorp
Classification: Uncertain significance for Duchenne muscular dystrophy. Last evaluated: 2025-07-06. Review status: criteria provided, single submitter. Criteria: Invitae Variant Classification Sherloc (09022015). Collection method: clinical testing. Allele origin: germline.
Comment: This sequence change replaces serine, which is neutral and polar, with phenylalanine, which is neutral and non-polar, at codon 1033 of the DMD protein (p.Ser1033Phe). This variant is present in population databases (rs377415288, gnomAD 0.006%). This variant has not been reported in the literature in individuals affected with DMD-related conditions. ClinVar contains an entry for this variant (Variation ID: 195753). Invitae Evidence Modeling of protein sequence and biophysical properties (such as structural, functional, and spatial information, amino acid conservation, physicochemical variation, residue mobility, and thermodynamic stability) indicates that this missense variant is not expected to disrupt DMD protein function with a negative predictive value of 95%. In summary, the available evidence is currently insufficient to determine the role of this variant in disease. Therefore, it has been classified as a Variant of Uncertain Significance.

Ambry Genetics
Classification: Uncertain significance for Cardiovascular phenotype. Last evaluated: 2022-10-18. Review status: criteria provided, single submitter. Criteria: Ambry Variant Classification Scheme 2023. Collection method: clinical testing. Allele origin: germline.
Comment: The p.S1033F variant (also known as c.3098C>T), located in coding exon 23 of the DMD gene, results from a C to T substitution at nucleotide position 3098. The serine at codon 1033 is replaced by phenylalanine, an amino acid with highly dissimilar properties. Based on data from gnomAD, the T allele has an overall frequency of 0.001% (2/202848) total alleles studied, with no hemizygotes observed. The highest observed frequency was 0.0053% (1/18963) of African/African American alleles. This amino acid position is highly conserved in available vertebrate species. In addition, this alteration is predicted to be tolerated by in silico analysis. Since supporting evidence is limited at this time, the clinical significance of this alteration remains unclear.

Eurofins Ntd Llc (ga)
Classification: Uncertain significance. Last evaluated: 2014-08-19. Review status: criteria provided, single submitter. Criteria: EGL Classification Definitions 2015. Collection method: clinical testing. Allele origin: germline. Observed: 1 variant allele, 1 hemizygote.